The following is an entry in ClinVar:

NM_173495.3(PTCHD1):c.1813C>T (p.Pro605Ser)

Gene: PTCHD1 (patched domain containing 1; plus strand). Cytogenetic location: Xp22.11.
Variant type: single nucleotide variant.
Coding change: c.1813C>T on transcript NM_173495.3 (MANE Select); coding-DNA position 1813, C replaced by T.
Protein change: p.Pro605Ser; replaces proline 605 with serine.
Molecular consequence: missense variant.
Genome position (GRCh38, 1-based): chrX:23,393,331, C>T. VCF-style: chrX-23393331-C-T. GRCh37 (hg19) VCF-style: chrX-23411448-C-T.
Other names: short protein forms P605S.
Identifiers: ClinVar variation 4628587 (VCV004628587.1).
Genomic context (GRCh38, chrX:23,393,331, plus strand): 5'-ATATCCTGGTTTGAGAGCTATTTAAATTACCTTCGGAAACTCAATGTATCCACTGGCTTG[C>T]CTAAGAAAAATTTCACAGACATGTTGAGGAATTCCTTTCTGAAAGCCCCTCAATTTTCAC-3'
Protein context (NP_775766.2, residues 595-615): LRKLNVSTGL[Pro605Ser]KKNFTDMLRN

ClinVar aggregate classification (germline): Uncertain significance (1 of 4 stars; one submission).

Conditions:
Inborn genetic diseases. Identifiers: MedGen C0950123, MeSH D030342.

gnomAD v4.1: 3 of 1,210,501 alleles (0.00025%); highest among the groups gnomAD compares: Admixed American, 0.0065%; no homozygotes.

Submission:

Ambry Genetics
Classification: Uncertain significance for Inborn genetic diseases. Last evaluated: 2025-10-02. Review status: criteria provided, single submitter. Criteria: Ambry Variant Classification Scheme 2023. Collection method: clinical testing. Allele origin: germline.
Comment: The c.1813C>T (p.P605S) alteration is located in exon 3 (coding exon 3) of the PTCHD1 gene. This alteration results from a C to T substitution at nucleotide position 1813, causing the proline (P) at amino acid position 605 to be replaced by a serine (S). Based on data from gnomAD, the T allele has an overall frequency of <0.001% (1/183007) total alleles studied. The highest observed frequency was 0.004% (1/27428) of Latino alleles. Based on insufficient or conflicting evidence, the clinical significance of this alteration remains unclear.